The following is an entry in ClinVar:

ClinVar aggregate classification (germline): Pathogenic (1 of 4 stars; one submission).

Conditions:
Achondrogenesis, type IA (ACG1A). Identifiers: Orphanet 932, Orphanet 93299, MedGen C0265273, MONDO:0008701, OMIM 200600.

Submission:

Labcorp Genetics (formerly Invitae), Labcorp
Classification: Pathogenic for Achondrogenesis, type IA. Last evaluated: 2025-08-11. Review status: criteria provided, single submitter. Criteria: Invitae Variant Classification Sherloc (09022015). Collection method: clinical testing. Allele origin: germline.
Comment: This sequence change creates a premature translational stop signal (p.Ser259Thrfs*21) in the TRIP11 gene. It is expected to result in an absent or disrupted protein product. Loss-of-function variants in TRIP11 are known to be pathogenic (PMID: 20089971, 23956106). This variant is not present in population databases (gnomAD no frequency). This variant has not been reported in the literature in individuals affected with TRIP11-related conditions. ClinVar contains an entry for this variant (Variation ID: 1419547). For these reasons, this variant has been classified as Pathogenic.

Literature cited by the submitters: PubMed 20089971; PubMed 23956106.

NM_004239.4(TRIP11):c.774_777del (p.Ser259fs)

Gene: TRIP11 (thyroid hormone receptor interactor 11; minus strand). Cytogenetic location: 14q32.12.
Variant type: Deletion.
Coding change: c.774_777del on transcript NM_004239.4 (MANE Select); coding-DNA positions 774 to 777, 4 bases deleted (AAGT; older notation c.774_777delAAGT).
Protein change: p.Ser259fs; shifts the reading frame from serine 259.
Molecular consequence: frameshift variant.
Genome position (GRCh38, 1-based): chr14:92,015,742-92,015,745, ACTT deleted on the plus strand (AAGT on the coding strand, the reverse complement: TRIP11 is on the minus strand); deleting any 4 consecutive bases within chr14:92,015,742-92,015,746 gives the same sequence; the c. name uses the placement nearest the transcript's 3' end. VCF-style (leftmost placement, unchanged base first): chr14-92015741-CACTT-C. GRCh37 (hg19) VCF-style: chr14-92482085-CACTT-C.
Other names: c.771_774del, p.Ser258fs (NM_001321851.1); short protein forms S259fs, S258fs.
Identifiers: ClinVar variation 1419547 (VCV001419547.6), dbSNP rs2057028176, ClinGen allele CA2155207719.